The following is an entry in ClinVar:

NM_000969.5(RPL5):c.285T>C (p.Tyr95=)

Genes: DIPK1A (divergent protein kinase domain 1A; minus strand), RPL5 (ribosomal protein L5; plus strand). Cytogenetic location: 1p22.1.
Variant type: single nucleotide variant.
Coding change: c.285T>C on transcript NM_000969.5 (MANE Select); coding-DNA position 285, T replaced by C.
Protein change: p.Tyr95=; no amino-acid change (tyrosine 95 retained).
Molecular consequence: synonymous variant. On other transcripts: non-coding transcript variant (1), intron variant (1).
Genome position (GRCh38, 1-based): chr1:92,834,874, T>C. VCF-style: chr1-92834874-T-C. GRCh37 (hg19) VCF-style: chr1-93300431-T-C.
Other names: c.475-1840A>G (NM_001252273.2).
Identifiers: ClinVar variation 3029763 (VCV003029763.4), dbSNP rs761310681, ClinGen allele CA952424.

ClinVar aggregate classification (germline): Likely benign. Review status: criteria provided, single submitter (1 of 4 stars). 2 submissions from 2 submitters: Likely benign (1). 1 of the submissions does not count toward it. Last evaluated 2024-08-29.

Conditions:
Diamond-Blackfan anemia. Also called: Blackfan Diamond syndrome; Aregenerative anemia chronic congenital; Red cell aplasia, pure hereditary; Congenital hypoplastic anemia; Aase syndrome. Identifiers: Orphanet 124, MedGen C1260899, MeSH D029503, MONDO:0015253, HP:0004810.
RPL5-related disorder. Also called: RPL5-related condition.

Allele frequency attached by ClinVar (database versions not stated): gnomAD exomes below 0.00001; ExAC 0.00001; TOPMed 0.00001; gnomAD 0.00002.
gnomAD v4.1: 5 of 1,604,558 alleles (0.00031%); highest among the groups gnomAD compares: African/African-American, 0.004%; no homozygotes.

Submissions (2):

Labcorp Genetics (formerly Invitae), Labcorp
Classification: Likely benign for Diamond-Blackfan anemia. Last evaluated: 2024-08-29. Review status: criteria provided, single submitter. Criteria: Invitae Variant Classification Sherloc (09022015). Collection method: clinical testing. Allele origin: germline.

PreventionGenetics, part of Exact Sciences
Classification: Likely benign for RPL5-related condition. Last evaluated: 2023-08-04. Review status: no assertion criteria provided. Collection method: clinical testing. Allele origin: germline. Not counted in ClinVar's aggregate classification.
Comment: This variant is classified as likely benign based on ACMG/AMP sequence variant interpretation guidelines (Richards et al. 2015 PMID: 25741868, with internal and published modifications).